The following is an entry in ClinVar:

NM_005902.4(SMAD3):c.313del (p.Ala105fs)

Gene: SMAD3 (SMAD family member 3; plus strand). Cytogenetic location: 15q22.33.
Variant type: Deletion.
Coding change: c.313del on transcript NM_005902.4 (MANE Select); coding-DNA position 313, one base deleted (G; older notation c.313delG).
Protein change: p.Ala105fs; shifts the reading frame from alanine 105.
Molecular consequence: frameshift variant. On other transcripts: 5 prime UTR variant (1).
Genome position (GRCh38, 1-based): chr15:67,165,001, G deleted; the last of 3 consecutive G bases (chr15:67,164,999-67,165,001); deleting any one gives the same sequence. VCF-style (leftmost placement, unchanged base first): chr15-67164998-CG-C. GRCh37 (hg19) VCF-style: chr15-67457336-CG-C.
Other names: c.-3del (NM_001145102.2); c.181del, p.Ala61fs (NM_001145103.2); short protein forms A61fs, A105fs.
Identifiers: ClinVar variation 30313 (VCV000030313.3), dbSNP rs587776882, ClinGen allele CA020072.

ClinVar aggregate classification (germline): Pathogenic (0 of 4 stars; one submission).

Conditions:
Aneurysm-osteoarthritis syndrome. Also called: SMAD3-Related Loeys-Dietz Syndrome; ANEURYSMS-OSTEOARTHRITIS SYNDROME; Loeys-Dietz syndrome, type 1C; LOEYS-DIETZ SYNDROME WITH OSTEOARTHRITIS. Identifiers: Orphanet 284984, MedGen C3151087, MONDO:0013426, OMIM 613795.

Submissions (2):

OMIM
Classification: Pathogenic for LOEYS-DIETZ SYNDROME 3. Last evaluated: 2012-01-01. Review status: no assertion criteria provided. Collection method: literature only. Allele origin: germline.

Seelig Lab, University of Washington
No classification provided (evidence only). Review status: no classification provided. Collection method: in vitro. Allele origin: not applicable. Functional consequence: effect on translation. Not counted in ClinVar's aggregate classification.
ClinVar note: "not provided" was previously submitted as the classification for the variant. However, the classification appeared to be based only on an observation of functional data so it was converted to no classification on 2025-07-30.

Literature cited by the submitters: PubMed 22167769 (cited by OMIM).